The following is an entry in ClinVar:

NM_030962.4(SBF2):c.2537-11A>G

Genes: SBF2 (SET binding factor 2; minus strand), LOC101928008 (uncharacterized LOC101928008; plus strand). Cytogenetic location: 11p15.4.
Variant type: single nucleotide variant.
Coding change: c.2537-11A>G on transcript NM_030962.4 (MANE Select); 11 bases into the intron before coding-DNA position 2537, A replaced by G.
Molecular consequence: intron variant.
Genome position (GRCh38, 1-based): chr11:9,852,760, T>C on the plus strand (A>G on the coding strand, the complement: SBF2 is on the minus strand). VCF-style: chr11-9852760-T-C. GRCh37 (hg19) VCF-style: chr11-9874307-T-C.
Other names: c.2408-11A>G (NM_001386342.1); c.2537-11A>G (NM_001386339.1).
Identifiers: ClinVar variation 1998315 (VCV001998315.4), dbSNP rs2494858006, ClinGen allele CA2580085041.

ClinVar aggregate classification (germline): Uncertain significance (1 of 4 stars; one submission).

Conditions:
Charcot-Marie-Tooth disease type 4. Also called: Charcot-Marie-Tooth disease, type IV; Charcot-Marie-Tooth, Type 4. Identifiers: Orphanet 64749, MedGen C4082197, MONDO:0018995.

Submission:

Labcorp Genetics (formerly Invitae), Labcorp
Classification: Uncertain significance for Charcot-Marie-Tooth disease type 4. Last evaluated: 2022-05-24. Review status: criteria provided, single submitter. Criteria: Invitae Variant Classification Sherloc (09022015). Collection method: clinical testing. Allele origin: germline.
Comment: In summary, the available evidence is currently insufficient to determine the role of this variant in disease. Therefore, it has been classified as a Variant of Uncertain Significance. Algorithms developed to predict the effect of sequence changes on RNA splicing suggest that this variant may disrupt the consensus splice site. This variant has not been reported in the literature in individuals affected with SBF2-related conditions. This variant is not present in population databases (gnomAD no frequency). This sequence change falls in intron 20 of the SBF2 gene. It does not directly change the encoded amino acid sequence of the SBF2 protein.